The following is an entry in ClinVar:

ClinVar aggregate classification (germline): Likely benign. Review status: criteria provided, multiple submitters, no conflicts (2 of 4 stars). 2 submissions from 2 submitters: Likely benign (2). Last evaluated 2025-05-02.

Conditions:
Nephronophthisis 15 (NPHP15). Identifiers: Orphanet 3156, MedGen C3541853, MONDO:0013917, OMIM 614845.
CEP164-related disorder. Also called: CEP164-related condition.

Allele frequency attached by ClinVar (database versions not stated): ESP Exome Variant Server 0.00008; 1000 Genomes Project 30x 0.00016; 1000 Genomes Project 0.00020.
gnomAD v4.1: 15 of 1,614,012 alleles (0.00093%); highest among the groups gnomAD compares: African/African-American, 0.0067%; no homozygotes.

Submissions (2):

Labcorp Genetics (formerly Invitae), Labcorp
Classification: Likely benign for Nephronophthisis 15. Last evaluated: 2025-05-02. Review status: criteria provided, single submitter. Criteria: Invitae Variant Classification Sherloc (09022015). Collection method: clinical testing. Allele origin: germline.

PreventionGenetics, part of Exact Sciences
Classification: Likely benign for CEP164-related condition. Last evaluated: 2025-01-15. Review status: criteria provided, single submitter. Criteria: ACMG Guidelines, 2015. Collection method: clinical testing. Allele origin: germline.
Comment: This variant is classified as likely benign based on ACMG/AMP sequence variant interpretation guidelines (Richards et al. 2015 PMID: 25741868, with internal and published modifications).

NM_014956.5(CEP164):c.1638C>T (p.Ala546=)

Gene: CEP164 (centrosomal protein 164; plus strand). Cytogenetic location: 11q23.3.
Variant type: single nucleotide variant.
Coding change: c.1638C>T on transcript NM_014956.5 (MANE Select); coding-DNA position 1638, C replaced by T.
Protein change: p.Ala546=; no amino-acid change (alanine 546 retained).
Molecular consequence: synonymous variant.
Genome position (GRCh38, 1-based): chr11:117,382,856, C>T. VCF-style: chr11-117382856-C-T. GRCh37 (hg19) VCF-style: chr11-117253572-C-T.
Other names: c.1647C>T, p.Ala549= (NM_001271933.2); c.1638C>T (NM_014956.4).
Identifiers: ClinVar variation 1672357 (VCV001672357.9), dbSNP rs144199348, ClinGen allele CA6294812.
Genomic context (GRCh38, chr11:117,382,856, plus strand): 5'-GGAGCAGGCCCCAAGCCCACCTGCTGCCTGTGAGAAGGGCAAGGAGCAGCATTCCCAGGC[C>T]GAGGAGCTGGGCCCTGGGCAGGAAGAGGCAGAGGATCCTGAGGAGAAGGTGGCGGTCAGC-3'
Protein context (NP_055771.4, residues 536-556): CEKGKEQHSQ[Ala546=]EELGPGQEEA